The following is an entry in ClinVar:

ClinVar aggregate classification (germline): Uncertain significance (1 of 4 stars; one submission).

Conditions:
Mowat-Wilson syndrome (MOWS). Also called: Classic Mowat-Wilson Syndrome. Identifiers: Orphanet 2152, MedGen C1856113, MONDO:0009341, OMIM 235730.

Submission:

Labcorp Genetics (formerly Invitae), Labcorp
Classification: Uncertain significance for Mowat-Wilson syndrome. Last evaluated: 2022-07-06. Review status: criteria provided, single submitter. Criteria: Invitae Variant Classification Sherloc (09022015). Collection method: clinical testing. Allele origin: germline.
Comment: Experimental studies and prediction algorithms are not available or were not evaluated, and the functional significance of this variant is currently unknown. In summary, the available evidence is currently insufficient to determine the role of this variant in disease. Therefore, it has been classified as a Variant of Uncertain Significance. This variant has not been reported in the literature in individuals affected with ZEB2-related conditions. This variant is present in population databases (rs781664431, gnomAD 0.02%). This variant, c.252_257del, results in the deletion of 2 amino acid(s) of the ZEB2 protein (p.Glu84_Glu85del), but otherwise preserves the integrity of the reading frame.

NM_014795.4(ZEB2):c.246GGAAGA[1] (p.Glu84_Glu85del)

Gene: ZEB2 (zinc finger E-box binding homeobox 2; minus strand). Cytogenetic location: 2q22.3.
Variant type: Microsatellite.
Coding change: c.246GGAAGA[1] on transcript NM_014795.4 (MANE Select); one copy of the 6-base unit GGAAGA starting at c.246; the reference has two copies in a row; one copy, 6 bases deleted.
Protein change: p.Glu84_Glu85del.
Molecular consequence: inframe deletion.
Genome position (GRCh38, 1-based): chr2:144,429,843-144,429,848, TCTTCC deleted on the plus strand (GGAAGA on the coding strand, the reverse complement: ZEB2 is on the minus strand); deleting any 6 consecutive bases within chr2:144,429,843-144,429,857 gives the same sequence; the position shown is the placement nearest the transcript's 3' end. VCF-style (leftmost placement, unchanged base first): chr2-144429842-ATCTTCC-A. GRCh37 (hg19) VCF-style: chr2-145187409-ATCTTCC-A.
Other names: c.246GGAAGA[1], p.Glu84_Glu85del (NM_001171653.2).
Identifiers: ClinVar variation 1956510 (VCV001956510.5), dbSNP rs781664431, ClinGen allele CA1898579.